The following is an entry in ClinVar:

ClinVar aggregate classification (germline): Uncertain significance. Review status: criteria provided, multiple submitters, no conflicts (2 of 4 stars). 2 submissions from 2 submitters: Uncertain significance (2). Last evaluated 2025-08-20.

Conditions:
Familial cancer of breast. Also called: hereditary breast carcinoma; BREAST CANCER, FAMILIAL; Hereditary breast cancer. Identifiers: Orphanet 227535, MedGen C0346153, MONDO:0016419, OMIM 114480. Disease mechanism: loss of function.
Hereditary cancer-predisposing syndrome. Also called: Hereditary neoplastic syndrome; Neoplastic Syndromes, Hereditary; Tumor predisposition; Hereditary Cancer Syndrome. Identifiers: Orphanet 140162, MedGen C0027672, MeSH D009386, MONDO:0015356.

Submissions (2):

Ambry Genetics
Classification: Uncertain significance for Hereditary cancer-predisposing syndrome. Last evaluated: 2025-08-20. Review status: criteria provided, single submitter. Criteria: Ambry Variant Classification Scheme 2023. Collection method: clinical testing. Allele origin: germline.
Comment: The p.E347Q variant (also known as c.1039G>C), located in coding exon 4 of the PALB2 gene, results from a G to C substitution at nucleotide position 1039. The glutamic acid at codon 347 is replaced by glutamine, an amino acid with highly similar properties. This amino acid position is conserved. In addition, this alteration is predicted to be tolerated by in silico analysis. Since supporting evidence is limited at this time, the clinical significance of this alteration remains unclear.

Labcorp Genetics (formerly Invitae), Labcorp
Classification: Uncertain significance for Familial cancer of breast. Last evaluated: 2024-09-21. Review status: criteria provided, single submitter. Criteria: Invitae Variant Classification Sherloc (09022015). Collection method: clinical testing. Allele origin: germline.
Comment: This sequence change replaces glutamic acid, which is acidic and polar, with glutamine, which is neutral and polar, at codon 347 of the PALB2 protein (p.Glu347Gln). This variant is not present in population databases (gnomAD no frequency). This variant has not been reported in the literature in individuals affected with PALB2-related conditions. ClinVar contains an entry for this variant (Variation ID: 942377). Invitae Evidence Modeling of protein sequence and biophysical properties (such as structural, functional, and spatial information, amino acid conservation, physicochemical variation, residue mobility, and thermodynamic stability) indicates that this missense variant is not expected to disrupt PALB2 protein function with a negative predictive value of 80%. In summary, the available evidence is currently insufficient to determine the role of this variant in disease. Therefore, it has been classified as a Variant of Uncertain Significance.

NM_024675.4(PALB2):c.1039G>C (p.Glu347Gln)

Gene: PALB2 (partner and localizer of BRCA2; minus strand). Cytogenetic location: 16p12.2.
Variant type: single nucleotide variant.
Coding change: c.1039G>C on transcript NM_024675.4 (MANE Select); coding-DNA position 1039, G replaced by C.
Protein change: p.Glu347Gln; replaces glutamic acid 347 with glutamine.
Molecular consequence: missense variant.
Genome position (GRCh38, 1-based): chr16:23,635,507, C>G on the plus strand (G>C on the coding strand, the complement: PALB2 is on the minus strand). VCF-style: chr16-23635507-C-G. GRCh37 (hg19) VCF-style: chr16-23646828-C-G.
Other names: short protein forms E347Q.
Identifiers: ClinVar variation 942377 (VCV000942377.14), dbSNP rs1060499812, ClinGen allele CA395134244.